The following is an entry in ClinVar:

ClinVar aggregate classification (germline): Pathogenic/Likely pathogenic. Review status: criteria provided, multiple submitters, no conflicts (2 of 4 stars). 2 submissions from 2 submitters: Pathogenic (1); Likely pathogenic (1). Last evaluated 2024-02-23.

Conditions:
Glycogen storage disease type III (GSD3). Also called: FORBES DISEASE; Cori disease. Identifiers: Orphanet 366, MedGen C0017922, MONDO:0009291, OMIM 232400.

Allele frequency attached by ClinVar (database versions not stated): TOPMed below 0.00001; gnomAD 0.00001.

Submissions (2):

Labcorp Genetics (formerly Invitae), Labcorp
Classification: Pathogenic for Glycogen storage disease type III. Last evaluated: 2024-02-23. Review status: criteria provided, single submitter. Criteria: Invitae Variant Classification Sherloc (09022015). Collection method: clinical testing. Allele origin: germline.
Comment: This sequence change creates a premature translational stop signal (p.Met157Ilefs*23) in the AGL gene. It is expected to result in an absent or disrupted protein product. Loss-of-function variants in AGL are known to be pathogenic (PMID: 19299494). This variant is not present in population databases (gnomAD no frequency). This variant has not been reported in the literature in individuals affected with AGL-related conditions. Algorithms developed to predict the effect of sequence changes on RNA splicing suggest that this variant may disrupt the consensus splice site. For these reasons, this variant has been classified as Pathogenic.

Baylor Genetics
Classification: Likely pathogenic for Glycogen storage disease type III. Last evaluated: 2023-02-11. Review status: criteria provided, single submitter. Criteria: ACMG Guidelines, 2015. Collection method: clinical testing. Allele origin: unknown.

Literature cited by the submitters: PubMed 19299494 (cited by Labcorp Genetics (formerly Invitae), Labcorp).

NM_000642.3(AGL):c.471del (p.Met157fs)

Gene: AGL (amylo-alpha-1,6-glucosidase and 4-alpha-glucanotransferase; plus strand). Cytogenetic location: 1p21.2.
Variant type: Deletion.
Coding change: c.471del on transcript NM_000642.3 (MANE Select); coding-DNA position 471, one base deleted (G; older notation c.471delG).
Protein change: p.Met157fs; shifts the reading frame from methionine 157.
Molecular consequence: frameshift variant.
Genome position (GRCh38, 1-based): chr1:99,864,396, G deleted. VCF-style (leftmost placement, unchanged base first): chr1-99864395-TG-T. GRCh37 (hg19) VCF-style: chr1-100329951-TG-T.
Other names: c.471delG, p.Met157Ilefs (NM_000028.3, NM_000643.3, NM_000644.3 and 3 more transcripts); c.423delG, p.Met141Ilefs (NM_000646.3); c.93delG, p.Met31Ilefs (NM_001425332.1); c.471del (NM_000642.2); short protein forms M141fs, M157fs.
Identifiers: ClinVar variation 2674735 (VCV002674735.4), dbSNP rs1650328268, ClinGen allele CA1004944102.